The following is an entry in ClinVar:

NM_198525.3(KIF7):c.3785G>T (p.Arg1262Leu)

Gene: KIF7 (kinesin family member 7; minus strand). Cytogenetic location: 15q26.1.
Variant type: single nucleotide variant.
Coding change: c.3785G>T on transcript NM_198525.3 (MANE Select); coding-DNA position 3785, G replaced by T.
Protein change: p.Arg1262Leu; replaces arginine 1262 with leucine.
Molecular consequence: missense variant.
Genome position (GRCh38, 1-based): chr15:89,628,666, C>A on the plus strand (G>T on the coding strand, the complement: KIF7 is on the minus strand). VCF-style: chr15-89628666-C-A. GRCh37 (hg19) VCF-style: chr15-90171897-C-A.
Other names: short protein forms R1262L.
Identifiers: ClinVar variation 1023626 (VCV001023626.9), dbSNP rs561205514, ClinGen allele CA7727529.

ClinVar aggregate classification (germline): Uncertain significance. Review status: criteria provided, multiple submitters, no conflicts (2 of 4 stars). 2 submissions from 2 submitters: Uncertain significance (2). Last evaluated 2024-09-16.

Conditions:
Acrocallosal syndrome (ACLS). Also called: HALLUX DUPLICATION, POSTAXIAL POLYDACTYLY, AND ABSENCE OF CORPUS CALLOSUM; Schinzel syndrome 1; Absence of corpus callosum with unusual facial appearance, mental deficiency, duplication of the halluces and polydactyly. Identifiers: Orphanet 36, MedGen C0796147, MONDO:0008708, OMIM 200990.

Allele frequency attached by ClinVar (database versions not stated): gnomAD 0.00005; TOPMed 0.00009; 1000 Genomes Project 30x 0.00016; 1000 Genomes Project 0.00020.
gnomAD v4.1: 35 of 1,613,148 alleles (0.0022%); highest among the groups gnomAD compares: East Asian, 0.058%; no homozygotes.

Submissions (3):

Labcorp Genetics (formerly Invitae), Labcorp
Classification: Uncertain significance for Acrocallosal syndrome. Last evaluated: 2024-09-16. Review status: criteria provided, single submitter. Criteria: Invitae Variant Classification Sherloc (09022015). Collection method: clinical testing. Allele origin: germline.
Comment: This sequence change replaces arginine, which is basic and polar, with leucine, which is neutral and non-polar, at codon 1262 of the KIF7 protein (p.Arg1262Leu). This variant is present in population databases (rs561205514, gnomAD 0.1%). This variant has not been reported in the literature in individuals affected with KIF7-related conditions. ClinVar contains an entry for this variant (Variation ID: 1023626). Invitae Evidence Modeling of protein sequence and biophysical properties (such as structural, functional, and spatial information, amino acid conservation, physicochemical variation, residue mobility, and thermodynamic stability) indicates that this missense variant is not expected to disrupt KIF7 protein function with a negative predictive value of 80%. In summary, the available evidence is currently insufficient to determine the role of this variant in disease. Therefore, it has been classified as a Variant of Uncertain Significance.

Blueprint Genetics
Classification: Uncertain significance. Last evaluated: 2024-08-29. Review status: criteria provided, single submitter. Criteria: ACMG Guidelines, 2015. Collection method: clinical testing. Allele origin: germline.

Human Disease Genetics and Animal Model Lab, Shanxi University
No classification provided (evidence only). Last evaluated: 2022-04-30. Review status: no classification provided. Collection method: research. Allele origin: not applicable. Functional consequence: Overall normal function. Not counted in ClinVar's aggregate classification.
Comment: By using the RNA injection mediated rescue assay on zebrafish model, we found this variant KIF7 with R1262L substitution could fully rescue the expansion of En2a in kif7 zebrafish null mutant, indicating it is benign in clinical practice.
ClinVar note: "not provided" was previously submitted as the classification for the variant. However, the classification appeared to be based only on an observation of functional data so it was converted to no classification on 2025-07-30.

Literature cited by the submitters: PubMed 24339784 (cited by Human Disease Genetics and Animal Model Lab, Shanxi University).